The following is an entry in ClinVar:

ClinVar aggregate classification (germline): Benign/Likely benign. Review status: criteria provided, multiple submitters, no conflicts (2 of 4 stars). 7 submissions from 7 submitters: Benign (3); Likely benign (4). Last evaluated 2026-01-27.

Conditions:
Autoinflammatory syndrome. Identifiers: Orphanet 93665, MedGen C3890737, MONDO:0019751.
Pyogenic arthritis-pyoderma gangrenosum-acne syndrome (PAPA). Also called: PAPA SYNDROME; FAMILIAL RECURRENT ARTHRITIS. Identifiers: Orphanet 69126, MedGen C1858361, MONDO:0011462, OMIM 604416.

Allele frequency attached by ClinVar (database versions not stated): 1000 Genomes Project 0.00339; ESP Exome Variant Server 0.00396; 1000 Genomes Project 30x 0.00422; TOPMed 0.00524.
gnomAD v4.1: 1,357 of 1,612,252 alleles (0.084%); highest among the groups gnomAD compares: African/African-American, 1.6%; 9 homozygotes.

Submissions (7):

Labcorp Genetics (formerly Invitae), Labcorp
Classification: Benign for Pyogenic arthritis-pyoderma gangrenosum-acne syndrome. Last evaluated: 2026-01-27. Review status: criteria provided, single submitter. Criteria: Invitae Variant Classification Sherloc (09022015). Collection method: clinical testing. Allele origin: germline.

ARUP Laboratories, Molecular Genetics and Genomics, ARUP Laboratories
Classification: Benign for Pyogenic arthritis-pyoderma gangrenosum-acne syndrome. Last evaluated: 2024-12-30. Review status: criteria provided, single submitter. Criteria: ARUP Molecular Germline Variant Investigation Process 2024. Collection method: clinical testing. Allele origin: germline.

Blueprint Genetics
Classification: Likely benign. Last evaluated: 2024-11-25. Review status: criteria provided, single submitter. Criteria: ACMG Guidelines, 2015. Collection method: clinical testing. Allele origin: germline.

GeneDx
Classification: Likely benign. Last evaluated: 2021-05-06. Review status: criteria provided, single submitter. Criteria: GeneDx Variant Classification Process June 2021. Collection method: clinical testing. Allele origin: germline. Affected: yes.
Comment: In silico analysis supports that this missense variant does not alter protein structure/function; Has not been previously published as pathogenic or benign to our knowledge

Genome Diagnostics Laboratory, The Hospital for Sick Children
Classification: Likely benign for Autoinflammatory syndrome. Last evaluated: 2021-02-18. Review status: criteria provided, single submitter. Criteria: ACMG Guidelines, 2015. Collection method: clinical testing. Allele origin: germline. Affected: yes.

Illumina Laboratory Services, Illumina
Classification: Benign for Pyogenic arthritis-pyoderma gangrenosum-acne syndrome. Last evaluated: 2018-01-13. Review status: criteria provided, single submitter. Criteria: ICSL Variant Classification Criteria 13 December 2019. Collection method: clinical testing. Allele origin: germline.
Comment: This variant was observed in the ICSL laboratory as part of a predisposition screen in an ostensibly healthy population. It had not been previously curated by ICSL or reported in the Human Gene Mutation Database (HGMD: prior to June 1st, 2018), and was therefore a candidate for classification through an automated scoring system. Utilizing variant allele frequency, disease prevalence and penetrance estimates, and inheritance mode, an automated score was calculated to assess if this variant is too frequent to cause the disease. Based on the score and internal cut-off values, a variant classified as benign is not then subjected to further curation. The score for this variant resulted in a classification of benign for this disease.

Breakthrough Genomics
Classification: Likely benign. Review status: criteria provided, single submitter. Criteria: ACMG Guidelines, 2015. Collection method: not provided. Allele origin: germline. Inheritance: Autosomal dominant inheritance. Affected: yes.

NM_003978.5(PSTPIP1):c.1144G>A (p.Ala382Thr)

Gene: PSTPIP1 (proline-serine-threonine phosphatase interacting protein 1; plus strand). Cytogenetic location: 15q24.3.
Variant type: single nucleotide variant.
Coding change: c.1144G>A on transcript NM_003978.5 (MANE Select); coding-DNA position 1144, G replaced by A.
Protein change: p.Ala382Thr; replaces alanine 382 with threonine.
Molecular consequence: missense variant. On other transcripts: non-coding transcript variant (1).
Genome position (GRCh38, 1-based): chr15:77,037,069, G>A. VCF-style: chr15-77037069-G-A. GRCh37 (hg19) VCF-style: chr15-77329410-G-A.
Other names: c.1087G>A, p.Ala363Thr (NM_001321135.2); c.1117G>A, p.Ala373Thr (NM_001321136.2); c.1339G>A, p.Ala447Thr (NM_001321137.1); short protein forms A382T, A363T, A373T, A447T.
Identifiers: ClinVar variation 317187 (VCV000317187.31), dbSNP rs145344175, ClinGen allele CA7676204.
Genomic context (GRCh38, chr15:77,037,069, plus strand): 5'-CCTTCCAACGTCATGCGCTTTCAATCTCTTGGCCAGAACCCAGATGAGCTGGACCTGTCC[G>A]CGGGAGACATCCTGGAGGTGATCCTGGAAGGGGAGGATGGCTGGTGGACTGTGGAGAGGA-3'
Protein context (NP_003969.2, residues 372-392): AQNPDELDLS[Ala382Thr]GDILEVILEG